The following is an entry in ClinVar:

ClinVar aggregate classification (germline): Pathogenic/Likely pathogenic. Review status: criteria provided, multiple submitters, no conflicts (2 of 4 stars). 4 submissions from 4 submitters: Pathogenic (2); Likely pathogenic (2). Last evaluated 2026-01-03.

Conditions:
Nonsyndromic congenital nail disorder 8. Also called: TOENAIL DYSTROPHY, ISOLATED. Identifiers: MedGen C1843761, MONDO:0011852, OMIM 607523.
Recessive dystrophic epidermolysis bullosa (RDEB). Also called: epidermolysis bullosa dystrophica, autosomal recessive; EPIDERMOLYSIS BULLOSA DYSTROPHICA, GENERALIZED SEVERE, AUTOSOMAL RECESSIVE; Epidermolysis Bullosa Distrophica Autosomal Recessive (RDEB); DYSTROPHIC EPIDERMOLYSIS BULLOSA, AUTOSOMAL RECESSIVE; EPIDERMOLYSIS BULLOSA DYSTROPHICA, HALLOPEAU-SIEMENS TYPE; Recessive DEB (RDEB). Identifiers: Orphanet 79408, Orphanet 79409, MedGen C0079474, MONDO:0009179, OMIM 226600.
Dominant dystrophic epidermolysis bullosa with absence of skin. Also called: EPIDERMOLYSIS BULLOSA WITH CONGENITAL LOCALIZED ABSENCE OF SKIN AND DEFORMITY OF NAILS; EPIDERMOLYSIS BULLOSA DYSTROPHICA, BART TYPE. Identifiers: MedGen C0268371, MONDO:0007557, OMIM 132000.
Epidermolysis bullosa pruriginosa. Also called: DEB, PRURIGINOSA; DYSTROPHIC EPIDERMOLYSIS BULLOSA PRURIGINOSA. Identifiers: Orphanet 89843, MedGen C1275114, MONDO:0011398, OMIM 604129.
Generalized dominant dystrophic epidermolysis bullosa (DDEB). Also called: DDEB, generalized; DDEB-gen; DYSTROPHIC EPIDERMOLYSIS BULLOSA, AUTOSOMAL DOMINANT; Epidermolysis bullosa dystrophica, autosomal dominant; Dominant DEB (DDEB). Identifiers: Orphanet 231568, MedGen C0432322, MONDO:0007549, OMIM 131750.
Pretibial dystrophic epidermolysis bullosa. Also called: Pretibial blistering; EPIDERMOLYSIS BULLOSA DYSTROPHICA, PRETIBIAL; Pretibial epidermolysis bullosa. Identifiers: Orphanet 79410, MedGen C0432321, MONDO:0007552, OMIM 131850, HP:0012221.
Transient bullous dermolysis of the newborn (TBDN). Also called: EPIDERMOLYSIS BULLOSA DYSTROPHICA, NEONATAL FORM; DYSTROPHIC EPIDERMOLYSIS BULLOSA, NEONATAL. Identifiers: Orphanet 79411, MedGen C1851573, MONDO:0007548, OMIM 131705.
Epidermolysis bullosa dystrophica. Also called: Dystrophic epidermolysis bullosa, Hallopeau-Siemens type (formerly); Dystrophic epidermolysis bullosa. Identifiers: Orphanet 303, MedGen C0079294, MONDO:0006543.

Submissions (4):

Labcorp Genetics (formerly Invitae), Labcorp
Classification: Pathogenic. Last evaluated: 2026-01-03. Review status: criteria provided, single submitter. Criteria: Invitae Variant Classification Sherloc (09022015). Collection method: clinical testing. Allele origin: germline.
Comment: This sequence change creates a premature translational stop signal (p.Ala1503Glyfs*15) in the COL7A1 gene. It is expected to result in an absent or disrupted protein product. Loss-of-function variants in COL7A1 are known to be pathogenic (PMID: 16971478). This variant is present in population databases (no rsID available, gnomAD 0.01%). This variant has not been reported in the literature in individuals affected with COL7A1-related conditions. ClinVar contains an entry for this variant (Variation ID: 2123008). Algorithms developed to predict the effect of sequence changes on RNA splicing suggest that this variant may disrupt the consensus splice site. For these reasons, this variant has been classified as Pathogenic.

Natera, Inc.
Classification: Likely pathogenic for Dystrophic epidermolysis bullosa. Last evaluated: 2025-03-22. Review status: criteria provided, single submitter. Criteria: Natera Variant Classification Schema (03/2026). Collection method: clinical testing. Allele origin: germline.
Comment: The c.4506_4516del variant in COL7A1 is a frameshift variant predicted to shift the reading frame beginning at codon 1503 and leads to a stop codon 15 codons downstream. This variant is expected to result in nonsense mediated decay, truncation, or a dysfunctional protein product. This variant is rare in the general population with a frequency below the threshold expected for the associated phenotype(s). Given the available evidence, this variant is classified as Likely Pathogenic.

GeneDx
Classification: Pathogenic. Last evaluated: 2024-07-11. Review status: criteria provided, single submitter. Criteria: GeneDx Variant Classification Process June 2021. Collection method: clinical testing. Allele origin: germline. Affected: yes.
Comment: Frameshift variant predicted to result in protein truncation or nonsense mediated decay in a gene for which loss of function is a known mechanism of disease; Not observed at significant frequency in large population cohorts (gnomAD); Has not been previously published as pathogenic or benign to our knowledge

Fulgent Genetics
Classification: Likely pathogenic for Transient bullous dermolysis of the newborn; Generalized dominant dystrophic epidermolysis bullosa; Pretibial dystrophic epidermolysis bullosa; Dominant dystrophic epidermolysis bullosa with absence of skin; Recessive dystrophic epidermolysis bullosa; Epidermolysis bullosa pruriginosa; Nonsyndromic congenital nail disorder 8. Last evaluated: 2024-03-14. Review status: criteria provided, single submitter. Criteria: ACMG Guidelines, 2015. Collection method: clinical testing. Allele origin: germline.

Literature cited by the submitters: PubMed 16971478 (cited by Labcorp Genetics (formerly Invitae), Labcorp).

NM_000094.4(COL7A1):c.4506_4516del (p.Ala1503fs)

Gene: COL7A1 (collagen type VII alpha 1 chain; minus strand). Cytogenetic location: 3p21.31.
Variant type: Deletion.
Coding change: c.4506_4516del on transcript NM_000094.4 (MANE Select); coding-DNA positions 4506 to 4516, 11 bases deleted (AGCGGGATCCC).
Protein change: p.Ala1503fs; shifts the reading frame from alanine 1503.
Molecular consequence: frameshift variant.
Genome position (GRCh38, 1-based): chr3:48,583,015-48,583,025, GGGATCCCGCT deleted on the plus strand (AGCGGGATCCC on the coding strand, the reverse complement: COL7A1 is on the minus strand); deleting any 11 consecutive bases within chr3:48,583,015-48,583,028 gives the same sequence; the c. name uses the placement nearest the transcript's 3' end. VCF-style (leftmost placement, unchanged base first): chr3-48583014-CGGGATCCCGCT-C. GRCh37 (hg19) VCF-style: chr3-48620447-CGGGATCCCGCT-C.
Other names: c.4506_4516del (NM_000094.3); c.4503_4513delCCCAGCGGGAT, p.Ala1503Glyfs (NM_000094.3); short protein forms A1503fs.
Identifiers: ClinVar variation 2123008 (VCV002123008.8), dbSNP rs1267995796, ClinGen allele CA542792415.
Genomic context (GRCh38, chr3:48,583,014, plus strand): 5'-AGAACCAGAAAGGGCACAGCCAGGTCAGCTGGTATGAGCATTGCAGCCAGTGGGTTTACC[CGGGATCCCGCT>C]GGGCCTGGGGGTCCACGTTCGCCCTGATGGAAAAGAAGAGGTCAGAGCTGAGTTGGGCCC-3'